The following is an entry in ClinVar:

NM_012431.3(SEMA3E):c.277-13_277-2dup

Gene: SEMA3E (semaphorin 3E; minus strand). Cytogenetic location: 7q21.11.
Variant type: Duplication.
Coding change: c.277-13_277-2dup on transcript NM_012431.3 (MANE Select); 13 bases into the intron before coding-DNA position 277 through the canonical splice acceptor site of the intron before coding-DNA position 277, 12 bases duplicated (TCTTTTATTTTA).
Molecular consequence: splice acceptor variant.
Genome position (GRCh38, 1-based): chr7:83,469,304-83,469,315, TAAAATAAAAGA duplicated on the plus strand (TCTTTTATTTTA on the coding strand, the reverse complement: SEMA3E is on the minus strand); duplicating any 12 consecutive bases within chr7:83,469,304-83,469,318 gives the same sequence; the c. name uses the placement nearest the transcript's 3' end. VCF-style (leftmost placement, unchanged base first): chr7-83469303-C-CTAAAATAAAAGA. GRCh37 (hg19) VCF-style: chr7-83098619-C-CTAAAATAAAAGA.
Other names: c.97-13_97-2dup (NM_001178129.2).
Identifiers: ClinVar variation 2859809 (VCV002859809.3), dbSNP rs2484444424, ClinGen allele CA2578926681.

ClinVar aggregate classification (germline): Uncertain significance (1 of 4 stars; one submission).

Conditions:
CHARGE syndrome (CHARGE). Also called: Hittner Hirsch Kreh syndrome; CHARGE ASSOCIATION--COLOBOMA, HEART ANOMALY, CHOANAL ATRESIA, RETARDATION, GENITAL AND EAR ANOMALIES; Coloboma, heart anomaly, choanal atresia, retardation, genital and ear anomalies; CHARGE association; Hall-Hittner syndrome. Identifiers: Orphanet 138, MedGen C0265354, MONDO:0008965.

Submission:

Labcorp Genetics (formerly Invitae), Labcorp
Classification: Uncertain significance for CHARGE syndrome. Last evaluated: 2023-06-05. Review status: criteria provided, single submitter. Criteria: Invitae Variant Classification Sherloc (09022015). Collection method: clinical testing. Allele origin: germline.
Comment: In summary, the available evidence is currently insufficient to determine the role of this variant in disease. Therefore, it has been classified as a Variant of Uncertain Significance. Experimental studies and prediction algorithms are not available or were not evaluated, and the effect of this variant on mRNA splicing is currently unknown. This variant has not been reported in the literature in individuals affected with SEMA3E-related conditions. This variant is not present in population databases (gnomAD no frequency). This sequence change falls in intron 2 of the SEMA3E gene. It does not directly change the encoded amino acid sequence of the SEMA3E protein.